The following is an entry in ClinVar:

ClinVar aggregate classification (germline): Uncertain significance. Review status: criteria provided, multiple submitters, no conflicts (2 of 4 stars). 5 submissions from 5 submitters: Uncertain significance (5). Last evaluated 2025-10-23.

Conditions:
Classic or attenuated familial adenomatous polyposis. Identifiers: MedGen CN372698, MONDO:0021057.
Familial adenomatous polyposis 1 (FAP1). Also called: FAMILIAL ADENOMATOUS POLYPOSIS 1, ATTENUATED; POLYPOSIS, ADENOMATOUS INTESTINAL. Identifiers: MedGen C2713442, MONDO:0021056, OMIM 175100. Disease mechanism: loss of function.
Hereditary cancer-predisposing syndrome. Also called: Tumor predisposition; Hereditary Cancer Syndrome; Hereditary neoplastic syndrome; Neoplastic Syndromes, Hereditary. Identifiers: Orphanet 140162, MedGen C0027672, MeSH D009386, MONDO:0015356.

Allele frequency attached by ClinVar (database versions not stated): ExAC 0.00001.
gnomAD v4.1: 1 of 1,613,866 alleles (0.000062%); highest among the groups gnomAD compares: Non-Finnish European, 0.000085%; no homozygotes.

Submissions (5):

Labcorp Genetics (formerly Invitae), Labcorp
Classification: Uncertain significance for Familial adenomatous polyposis 1. Last evaluated: 2025-10-23. Review status: criteria provided, single submitter. Criteria: Invitae Variant Classification Sherloc (09022015). Collection method: clinical testing. Allele origin: germline.
Comment: This sequence change replaces glutamine, which is neutral and polar, with histidine, which is basic and polar, at codon 1260 of the APC protein (p.Gln1260His). This variant is present in population databases (rs763668164, gnomAD 0.0009%). This variant has not been reported in the literature in individuals affected with APC-related conditions. ClinVar contains an entry for this variant (Variation ID: 537494). Invitae Evidence Modeling of protein sequence and biophysical properties (such as structural, functional, and spatial information, amino acid conservation, physicochemical variation, residue mobility, and thermodynamic stability) indicates that this missense variant is not expected to disrupt APC protein function with a negative predictive value of 95%. In summary, the available evidence is currently insufficient to determine the role of this variant in disease. Therefore, it has been classified as a Variant of Uncertain Significance.

All of Us Research Program, National Institutes of Health
Classification: Uncertain significance for Classic or attenuated familial adenomatous polyposis. Last evaluated: 2024-08-06. Review status: criteria provided, single submitter. Criteria: ACMG Guidelines, 2015. Collection method: clinical testing. Allele origin: germline. Inheritance: Autosomal dominant inheritance. Observed: 2 variant alleles, 2 heterozygotes.
Comment: This missense variant replaces glutamine with histidine at codon 1260 of the APC protein. Computational prediction suggests that this variant may not impact protein structure and function (internally defined REVEL score threshold <= 0.5, PMID: 27666373). To our knowledge, functional studies have not been reported for this variant. This variant has not been reported in individuals affected with APC-related disorders in the literature. This variant has been identified in 1/250328 chromosomes in the general population by the Genome Aggregation Database (gnomAD). The available evidence is insufficient to determine the role of this variant in disease conclusively. Therefore, this variant is classified as a Variant of Uncertain Significance.

This study involves interpretation of variants in research participants for the purpose of population health screening. Participant phenotype was not available at the time of variant classification. Additional details can be found in publication PMID: 35346344, PMCID: PMC8962531

Ambry Genetics
Classification: Uncertain significance for Hereditary cancer-predisposing syndrome. Last evaluated: 2024-07-09. Review status: criteria provided, single submitter. Criteria: Ambry Variant Classification Scheme 2023. Collection method: clinical testing. Allele origin: germline.
Comment: The p.Q1260H variant (also known as c.3780G>C), located in coding exon 15 of the APC gene, results from a G to C substitution at nucleotide position 3780. The glutamine at codon 1260 is replaced by histidine, an amino acid with highly similar properties. This amino acid position is highly conserved in available vertebrate species. In addition, in silico predictors for this gene do not accurately predict pathogenicity. Since supporting evidence is limited at this time, the clinical significance of this alteration remains unclear.

Baylor Genetics
Classification: Uncertain significance for Familial adenomatous polyposis 1. Last evaluated: 2023-09-22. Review status: criteria provided, single submitter. Criteria: ACMG Guidelines, 2015. Collection method: clinical testing. Allele origin: unknown.

GeneDx
Classification: Uncertain significance. Last evaluated: 2022-09-03. Review status: criteria provided, single submitter. Criteria: GeneDx Variant Classification Process June 2021. Collection method: clinical testing. Allele origin: germline. Affected: yes.
Comment: Not observed at significant frequency in large population cohorts (gnomAD); In silico analysis supports that this missense variant has a deleterious effect on protein structure/function; Has not been previously published as pathogenic or benign to our knowledge

NM_000038.6(APC):c.3780G>C (p.Gln1260His)

Gene: APC (APC regulator of Wnt signaling pathway; plus strand). Cytogenetic location: 5q22.2.
Variant type: single nucleotide variant.
Coding change: c.3780G>C on transcript NM_000038.6 (MANE Select); coding-DNA position 3780, G replaced by C.
Protein change: p.Gln1260His; replaces glutamine 1260 with histidine.
Molecular consequence: missense variant.
Genome position (GRCh38, 1-based): chr5:112,839,374, G>C. VCF-style: chr5-112839374-G-C. GRCh37 (hg19) VCF-style: chr5-112175071-G-C.
Other names: c.3780G>C, p.Gln1260His (NM_001127510.3, NM_001354895.2); c.3726G>C, p.Gln1242His (NM_001127511.3); c.3834G>C, p.Gln1278His (NM_001354896.2); c.3810G>C, p.Gln1270His (NM_001354897.2); c.3705G>C, p.Gln1235His (NM_001354898.2); c.3696G>C, p.Gln1232His (NM_001354899.2); c.3657G>C, p.Gln1219His (NM_001354900.2); c.3603G>C, p.Gln1201His (NM_001354901.2); and 5 more; short protein forms Q1242H, Q1260H, Q1100H, Q1134H, Q1235H, Q1169H, Q1219H, Q1270H.
Identifiers: ClinVar variation 537494 (VCV000537494.21), dbSNP rs763668164, ClinGen allele CA036664.